The following is an entry in ClinVar:

NM_004937.3(CTNS):c.911T>C (p.Leu304Pro)

Gene: CTNS (cystinosin, lysosomal cystine transporter; plus strand). Cytogenetic location: 17p13.2.
Variant type: single nucleotide variant.
Coding change: c.911T>C on transcript NM_004937.3 (MANE Select); coding-DNA position 911, T replaced by C.
Protein change: p.Leu304Pro; replaces leucine 304 with proline.
Molecular consequence: missense variant.
Genome position (GRCh38, 1-based): chr17:3,659,916, T>C. VCF-style: chr17-3659916-T-C. GRCh37 (hg19) VCF-style: chr17-3563210-T-C.
Other names: c.911T>C, p.Leu304Pro (NM_001031681.3, NM_001374492.1); c.470T>C, p.Leu157Pro (NM_001374493.1, NM_001374494.1, NM_001374495.1 and 1 more transcripts); short protein forms L157P, L304P.
Identifiers: ClinVar variation 2012992 (VCV002012992.4), dbSNP rs2507789565, ClinGen allele CA397693145.

ClinVar aggregate classification (germline): Uncertain significance (1 of 4 stars; one submission).

Conditions:
Inborn genetic diseases. Identifiers: MedGen C0950123, MeSH D030342.
Juvenile nephropathic cystinosis. Also called: Intermediate Cystinosis; CYSTINOSIS, LATE-ONSET JUVENILE OR ADOLESCENT NEPHROPATHIC TYPE; Later-Onset (Juvenile) Cystinosis. Identifiers: Orphanet 213, Orphanet 411634, MedGen C0268626, MONDO:0009066, OMIM 219900.
Ocular cystinosis. Also called: Non-Nephropathic Cystinosis; Non-Nephropathic (Ocular) Cystinosis. Identifiers: Orphanet 213, Orphanet 411641, MedGen C2931013, MONDO:0009064, OMIM 219750.

Submission:

Labcorp Genetics (formerly Invitae), Labcorp
Classification: Uncertain significance for Inborn genetic diseases; Ocular cystinosis; Juvenile nephropathic cystinosis. Last evaluated: 2024-05-15. Review status: criteria provided, single submitter. Criteria: Invitae Variant Classification Sherloc (09022015). Collection method: clinical testing. Allele origin: germline.
Comment: This sequence change replaces leucine, which is neutral and non-polar, with proline, which is neutral and non-polar, at codon 304 of the CTNS protein (p.Leu304Pro). This variant is not present in population databases (gnomAD no frequency). This variant has not been reported in the literature in individuals affected with CTNS-related conditions. ClinVar contains an entry for this variant (Variation ID: 2012992). Advanced modeling of protein sequence and biophysical properties (such as structural, functional, and spatial information, amino acid conservation, physicochemical variation, residue mobility, and thermodynamic stability) performed at Invitae indicates that this missense variant is expected to disrupt CTNS protein function with a positive predictive value of 80%. In summary, the available evidence is currently insufficient to determine the role of this variant in disease. Therefore, it has been classified as a Variant of Uncertain Significance.